The following is an entry in ClinVar:

NM_015076.5(CDK19):c.1111-4A>G

Gene: CDK19 (cyclin dependent kinase 19; minus strand). Cytogenetic location: 6q21.
Variant type: single nucleotide variant.
Coding change: c.1111-4A>G on transcript NM_015076.5 (MANE Select); 4 bases into the intron before coding-DNA position 1111, A replaced by G.
Molecular consequence: intron variant.
Genome position (GRCh38, 1-based): chr6:110,621,374, T>C on the plus strand (A>G on the coding strand, the complement: CDK19 is on the minus strand). VCF-style: chr6-110621374-T-C. GRCh37 (hg19) VCF-style: chr6-110942577-T-C.
Other names: c.931-4A>G (NM_001300964.2, NM_001300963.2); c.979-4A>G (NM_001300960.2).
Identifiers: ClinVar variation 3765811 (VCV003765811.1).
Genomic context (GRCh38, chr6:110,621,374, plus strand): 5'-TGCCTGCTGTGGAGGGGCTGTGGGCTGCTGATGCTGGTTCTGCTGCTGTTGCTGATTCTT[T>C]TAAGGGGAAAAAAGCAAGCTTGGTATGAAACCAAATTAACAGGAGCTTTCTTTAATTATT-3'

ClinVar aggregate classification (germline): Uncertain significance (1 of 4 stars; one submission).

Submission:

Greenwood Genetic Center Diagnostic Laboratories, Greenwood Genetic Center
Classification: Uncertain significance. Last evaluated: 2024-12-11. Review status: criteria provided, single submitter. Criteria: ACMG Guidelines, 2015. Collection method: clinical testing. Allele origin: germline. Affected: yes.
Comment: PM2